The following is an entry in ClinVar:

NM_032380.5(GFM2):c.2314C>T (p.Leu772Phe)

Gene: GFM2 (GTP dependent ribosome recycling factor mitochondrial 2; minus strand). Cytogenetic location: 5q13.3.
Variant type: single nucleotide variant.
Coding change: c.2314C>T on transcript NM_032380.5 (MANE Select); coding-DNA position 2314, C replaced by T.
Protein change: p.Leu772Phe; replaces leucine 772 with phenylalanine.
Molecular consequence: missense variant. On other transcripts: non-coding transcript variant (1).
Genome position (GRCh38, 1-based): chr5:74,721,681, G>A on the plus strand (C>T on the coding strand, the complement: GFM2 is on the minus strand). VCF-style: chr5-74721681-G-A. GRCh37 (hg19) VCF-style: chr5-74017506-G-A.
Other names: c.2410C>T, p.Leu804Phe (NM_001281302.2); c.2173C>T, p.Leu725Phe (NM_170691.3); short protein forms L772F, L804F, L725F.
Identifiers: ClinVar variation 1949644 (VCV001949644.5), dbSNP rs201042618, ClinGen allele CA3306296.

ClinVar aggregate classification (germline): Uncertain significance (1 of 4 stars; one submission).

Allele frequency attached by ClinVar (database versions not stated): gnomAD 0.00001; gnomAD exomes 0.00001; TOPMed 0.00001; ExAC 0.00004.
gnomAD v4.1: 20 of 1,613,308 alleles (0.0012%); highest among the groups gnomAD compares: Non-Finnish European, 0.0016%; no homozygotes.

Submission:

Labcorp Genetics (formerly Invitae), Labcorp
Classification: Uncertain significance. Last evaluated: 2023-11-02. Review status: criteria provided, single submitter. Criteria: Invitae Variant Classification Sherloc (09022015). Collection method: clinical testing. Allele origin: germline.
Comment: This sequence change replaces leucine, which is neutral and non-polar, with phenylalanine, which is neutral and non-polar, at codon 772 of the GFM2 protein (p.Leu772Phe). This variant is present in population databases (rs201042618, gnomAD 0.004%). This variant has not been reported in the literature in individuals affected with GFM2-related conditions. ClinVar contains an entry for this variant (Variation ID: 1949644). Advanced modeling of protein sequence and biophysical properties (such as structural, functional, and spatial information, amino acid conservation, physicochemical variation, residue mobility, and thermodynamic stability) performed at Invitae indicates that this missense variant is not expected to disrupt GFM2 protein function with a negative predictive value of 80%. In summary, the available evidence is currently insufficient to determine the role of this variant in disease. Therefore, it has been classified as a Variant of Uncertain Significance.